The following is an entry in ClinVar:

NM_004333.6(BRAF):c.812G>A (p.Arg271His)

Gene: BRAF (B-Raf proto-oncogene, serine/threonine kinase; minus strand). Cytogenetic location: 7q34.
Variant type: single nucleotide variant.
Coding change: c.812G>A on transcript NM_004333.6 (MANE Select); coding-DNA position 812, G replaced by A.
Protein change: p.Arg271His; replaces arginine 271 with histidine.
Molecular consequence: missense variant.
Genome position (GRCh38, 1-based): chr7:140,801,460, C>T on the plus strand (G>A on the coding strand, the complement: BRAF is on the minus strand). VCF-style: chr7-140801460-C-T. GRCh37 (hg19) VCF-style: chr7-140501260-C-T.
Other names: p.R271H:CGT>CAT; c.812G>A, p.Arg271His (NM_001374244.1, NM_001374258.1, NM_001378468.1 and 4 more transcripts); c.821G>A, p.Arg274His (NM_001378467.1); c.710G>A, p.Arg237His (NM_001378470.1); c.656G>A, p.Arg219His (NM_001378472.1, NM_001378473.1); c.548G>A, p.Arg183His (NM_001378475.1); short protein forms R271H, R183H, R219H, R237H, R274H.
Identifiers: ClinVar variation 180785 (VCV000180785.2), dbSNP rs730880413, ClinGen allele CA295905.
Genomic context (GRCh38, chr7:140,801,460, plus strand): 5'-TGGATTACTTACTCAAGTTGGTCATAATTAACACACATCAGTGGAACTTCTGTACTACAA[C>T]GCTGGTGAAATTTATAACCACATGTTTGACAGCGGAAACCCTGGAAAAGCAGCTTTCGAC-3'
Protein context (NP_004324.2, residues 261-281): CQTCGYKFHQ[Arg271His]CSTEVPLMCV

ClinVar aggregate classification (germline): Uncertain significance (1 of 4 stars; one submission).

Allele frequency attached by ClinVar (database versions not stated): gnomAD exomes below 0.00001.
gnomAD v4.1: 2 of 1,613,920 alleles (0.00012%); highest among the groups gnomAD compares: Non-Finnish European, 0.000085%; no homozygotes.

Submission:

GeneDx
Classification: Uncertain significance. Last evaluated: 2014-03-20. Review status: criteria provided, single submitter. Criteria: GeneDx Variant Classification (06012015). Collection method: clinical testing. Allele origin: germline. Affected: yes.
Comment: The R271H missense change in the BRAF gene has not been reported as a disease-causing mutation or as a benign polymorphism, to our knowledge. The R271H amino acid substitution is conservative as Arginine and Histidine are both positively charged and polar residues. The residue at which this substitution occurs is highly conserved in the protein. The R271H variant was not observed in approximately 6,500 individuals of European and African American ancestry in the NHLBI Exome Sequencing Project, indicating it is not a common benign variant in these populations. Other missense mutations in nearby codons (Q262R, Q262K, E275K) have been reported previously. Therefore, the R271H missense change is interpreted as a variant of unknown significance. The variant is found in NOONAN panel(s).